The following is an entry in ClinVar:

ClinVar aggregate classification (germline): Uncertain significance (1 of 4 stars; one submission).

Submission:

Labcorp Genetics (formerly Invitae), Labcorp
Classification: Uncertain significance. Last evaluated: 2022-02-24. Review status: criteria provided, single submitter. Criteria: Invitae Variant Classification Sherloc (09022015). Collection method: clinical testing. Allele origin: germline.
Comment: This variant has not been reported in the literature in individuals affected with COQ8A-related conditions. Advanced modeling of protein sequence and biophysical properties (such as structural, functional, and spatial information, amino acid conservation, physicochemical variation, residue mobility, and thermodynamic stability) performed at Invitae indicates that this missense variant is not expected to disrupt COQ8A protein function. In summary, the available evidence is currently insufficient to determine the role of this variant in disease. Therefore, it has been classified as a Variant of Uncertain Significance. This variant is not present in population databases (gnomAD no frequency). This sequence change replaces proline, which is neutral and non-polar, with leucine, which is neutral and non-polar, at codon 131 of the COQ8A protein (p.Pro131Leu).

NM_020247.5(COQ8A):c.392C>T (p.Pro131Leu)

Gene: COQ8A (coenzyme Q8A; plus strand). Cytogenetic location: 1q42.13.
Variant type: single nucleotide variant.
Coding change: c.392C>T on transcript NM_020247.5 (MANE Select); coding-DNA position 392, C replaced by T.
Protein change: p.Pro131Leu; replaces proline 131 with leucine.
Molecular consequence: missense variant.
Genome position (GRCh38, 1-based): chr1:226,965,214, C>T. VCF-style: chr1-226965214-C-T. GRCh37 (hg19) VCF-style: chr1-227152915-C-T.
Other names: short protein forms P131L.
Identifiers: ClinVar variation 1368429 (VCV001368429.7), dbSNP rs2148062236, ClinGen allele CA345050260.